The following is an entry in ClinVar:

NM_005068.3(SIM1):c.550C>T (p.His184Tyr)

Gene: SIM1 (SIM bHLH transcription factor 1; minus strand). Cytogenetic location: 6q16.3.
Variant type: single nucleotide variant.
Coding change: c.550C>T on transcript NM_005068.3 (MANE Select); coding-DNA position 550, C replaced by T.
Protein change: p.His184Tyr; replaces histidine 184 with tyrosine.
Molecular consequence: missense variant.
Genome position (GRCh38, 1-based): chr6:100,448,672, G>A on the plus strand (C>T on the coding strand, the complement: SIM1 is on the minus strand). VCF-style: chr6-100448672-G-A. GRCh37 (hg19) VCF-style: chr6-100896548-G-A.
Other names: c.550C>T, p.His184Tyr (NM_001374769.1); short protein forms H184Y.
Identifiers: ClinVar variation 5037289 (VCV005037289.1).

ClinVar aggregate classification (germline): Uncertain significance (1 of 4 stars; one submission).

gnomAD v4.1: 2 of 1,610,462 alleles (0.00012%); highest among the groups gnomAD compares: Non-Finnish European, 0.00017%; no homozygotes.

Submission:

GeneDx
Classification: Uncertain significance. Last evaluated: 2026-04-15. Review status: criteria provided, single submitter. Criteria: GeneDx Variant Classification Process June 2021. Collection method: clinical testing. Allele origin: germline.
Comment: Not observed at significant frequency in large population cohorts (gnomAD); In silico analysis supports that this missense variant has a deleterious effect on protein structure/function; Has not been previously published as pathogenic or benign to our knowledge